The following is an entry in ClinVar:

NM_000361.3(THBD):c.38C>A (p.Ala13Asp)

Gene: THBD (thrombomodulin; minus strand). Cytogenetic location: 20p11.21.
Variant type: single nucleotide variant.
Coding change: c.38C>A on transcript NM_000361.3 (MANE Select); coding-DNA position 38, C replaced by A.
Protein change: p.Ala13Asp; replaces alanine 13 with aspartic acid.
Molecular consequence: missense variant.
Genome position (GRCh38, 1-based): chr20:23,049,467, G>T on the plus strand (C>A on the coding strand, the complement: THBD is on the minus strand). VCF-style: chr20-23049467-G-T. GRCh37 (hg19) VCF-style: chr20-23030104-G-T.
Other names: short protein forms A13D.
Identifiers: ClinVar variation 2098905 (VCV002098905.4), dbSNP rs1308829277, ClinGen allele CA408408630.
Genomic context (GRCh38, chr20:23,049,467, plus strand): 5'-TGCTCGACGCACTGGCTGCCACCCGGCTGCGGCTCTGCGGGTGCGGGGAACCCCAGGCCG[G>T]CCAGGGCCAGCGCGCCAAGGACCAGGACCCCAAGCATGTTACCCAGGCGCGCCGCGTGCA-3'
Protein context (NP_000352.1, residues 3-23): GVLVLGALAL[Ala13Asp]GLGFPAPAEP

ClinVar aggregate classification (germline): Uncertain significance (1 of 4 stars; one submission).

Allele frequency attached by ClinVar (database versions not stated): gnomAD exomes below 0.00001.

Submission:

Labcorp Genetics (formerly Invitae), Labcorp
Classification: Uncertain significance. Last evaluated: 2022-09-27. Review status: criteria provided, single submitter. Criteria: Invitae Variant Classification Sherloc (09022015). Collection method: clinical testing. Allele origin: germline.
Comment: In summary, the available evidence is currently insufficient to determine the role of this variant in disease. Therefore, it has been classified as a Variant of Uncertain Significance. Advanced modeling of protein sequence and biophysical properties (such as structural, functional, and spatial information, amino acid conservation, physicochemical variation, residue mobility, and thermodynamic stability) performed at Invitae indicates that this missense variant is expected to disrupt THBD protein function. This variant has not been reported in the literature in individuals affected with THBD-related conditions. This variant is not present in population databases (gnomAD no frequency). This sequence change replaces alanine, which is neutral and non-polar, with aspartic acid, which is acidic and polar, at codon 13 of the THBD protein (p.Ala13Asp).